The following is an entry in ClinVar:

NM_015404.4(WHRN):c.1348C>T (p.Arg450Cys)

Gene: WHRN (whirlin; minus strand). Cytogenetic location: 9q32.
Variant type: single nucleotide variant.
Coding change: c.1348C>T on transcript NM_015404.4 (MANE Select); coding-DNA position 1348, C replaced by T.
Protein change: p.Arg450Cys; replaces arginine 450 with cysteine.
Molecular consequence: missense variant.
Genome position (GRCh38, 1-based): chr9:114,424,402, G>A on the plus strand (C>T on the coding strand, the complement: WHRN is on the minus strand). VCF-style: chr9-114424402-G-A. GRCh37 (hg19) VCF-style: chr9-117186682-G-A.
Other names: c.199C>T, p.Arg67Cys (NM_001083885.3); c.1348C>T, p.Arg450Cys (NM_001173425.2); c.295C>T, p.Arg99Cys (NM_001346890.1); c.1348C>T (NM_015404.2); short protein forms R450C, R67C, R99C.
Identifiers: ClinVar variation 1398224 (VCV001398224.8), dbSNP rs373094583, ClinGen allele CA5205984.

ClinVar aggregate classification (germline): Uncertain significance. Review status: criteria provided, multiple submitters, no conflicts (2 of 4 stars). 2 submissions from 2 submitters: Uncertain significance (2). Last evaluated 2024-10-14.

Allele frequency attached by ClinVar (database versions not stated): 1000 Genomes Project 30x 0.00016; gnomAD exomes 0.00007; 1000 Genomes Project 0.00020; ExAC 0.00007; ESP Exome Variant Server 0.00008.
gnomAD v4.1: 70 of 1,612,962 alleles (0.0043%); highest among the groups gnomAD compares: East Asian, 0.053%; no homozygotes.

Submissions (2):

GeneDx
Classification: Uncertain significance. Last evaluated: 2024-10-14. Review status: criteria provided, single submitter. Criteria: GeneDx Variant Classification Process June 2021. Collection method: clinical testing. Allele origin: germline. Affected: yes.
Comment: In silico analysis supports that this missense variant has a deleterious effect on protein structure/function; Has not been previously published as pathogenic or benign to our knowledge

Labcorp Genetics (formerly Invitae), Labcorp
Classification: Uncertain significance. Last evaluated: 2023-11-27. Review status: criteria provided, single submitter. Criteria: Invitae Variant Classification Sherloc (09022015). Collection method: clinical testing. Allele origin: germline.
Comment: This sequence change replaces arginine, which is basic and polar, with cysteine, which is neutral and slightly polar, at codon 450 of the WHRN protein (p.Arg450Cys). This variant is present in population databases (rs373094583, gnomAD 0.03%). This variant has not been reported in the literature in individuals affected with WHRN-related conditions. ClinVar contains an entry for this variant (Variation ID: 1398224). An algorithm developed to predict the effect of missense changes on protein structure and function (PolyPhen-2) suggests that this variant is likely to be disruptive. In summary, the available evidence is currently insufficient to determine the role of this variant in disease. Therefore, it has been classified as a Variant of Uncertain Significance.